The following is an entry in ClinVar:

NM_000834.5(GRIN2B):c.2539C>T (p.Arg847Ter)

Gene: GRIN2B (glutamate ionotropic receptor NMDA type subunit 2B; minus strand). Cytogenetic location: 12p13.1.
Variant type: single nucleotide variant.
Coding change: c.2539C>T on transcript NM_000834.5 (MANE Select); coding-DNA position 2539, C replaced by T.
Protein change: p.Arg847Ter; replaces arginine 847 with a stop codon.
Molecular consequence: nonsense.
Genome position (GRCh38, 1-based): chr12:13,567,084, G>A on the plus strand (C>T on the coding strand, the complement: GRIN2B is on the minus strand). VCF-style: chr12-13567084-G-A. GRCh37 (hg19) VCF-style: chr12-13720018-G-A.
Other names: short protein forms R847*.
Identifiers: ClinVar variation 245756 (VCV000245756.66), dbSNP rs879253931, ClinGen allele CA10584423.
Genomic context (GRCh38, chr12:13,567,084, plus strand): 5'-CTCTGCTGATGGAGAAGACCATGCCAGGCTTGCCAGAACAGACACCCATAAAGCAATGTC[G>A]GAACTGCCAATAGAAAAGGTGTTCGCAGATGAAGGTGATGAGGCTGAGAGCCATGGCCGC-3'

ClinVar aggregate classification (germline): Pathogenic/Likely pathogenic. Review status: criteria provided, multiple submitters, no conflicts (2 of 4 stars). 13 submissions from 13 submitters: Pathogenic (11); Likely pathogenic (1). 1 of the submissions does not count toward it. Last evaluated 2025-11-20.

Conditions:
GRIN2B-related disorder. Also called: GRIN2B-related condition.
Complex neurodevelopmental disorder. Identifiers: Orphanet 528084, MedGen C5568766, MONDO:0100038.
Intellectual developmental disorder, autosomal dominant 6, with or without seizures. Also called: Intellectual disability, autosomal dominant 6; GRIN2B-related developmental delay, intellectual disability and autism spectrum disorder. Identifiers: Orphanet 589547, MedGen C3151411, MONDO:0013509, OMIM 613970.
Developmental and epileptic encephalopathy, 27 (DEE27). Also called: Epileptic encephalopathy, early infantile, 27; GRIN2B-Related Neurodevelopmental Disorder. Identifiers: Orphanet 3451, MedGen C4015316, MONDO:0014505, OMIM 616139.

Submissions (13):

3billion
Classification: Pathogenic for Intellectual developmental disorder, autosomal dominant 6, with or without seizures. Last evaluated: 2025-11-20. Review status: criteria provided, single submitter. Criteria: ACMG Guidelines, 2015. Collection method: clinical testing. Allele origin: germline. Affected: yes.
Comment: The variant is not observed in the gnomAD v4.1.0 dataset. Predicted Consequence/Location: Stop-gained (nonsense): predicted to result in a loss or disruption of normal protein function through nonsense-mediated decay (NMD) or protein truncation. Multiple pathogenic variants are reported downstream of the variant. The variant has been reported at least twice as pathogenic with clinical assertions and evidence for the classification (ClinVar ID: VCV000245756 /PMID: 27572814 /3billion dataset). Therefore, this variant is classified as Pathogenic according to the recommendation of ACMG/AMP guideline.

Labcorp Genetics (formerly Invitae), Labcorp
Classification: Pathogenic for Developmental and epileptic encephalopathy, 27; Intellectual developmental disorder, autosomal dominant 6, with or without seizures. Last evaluated: 2025-09-15. Review status: criteria provided, single submitter. Criteria: Invitae Variant Classification Sherloc (09022015). Collection method: clinical testing. Allele origin: germline.
Comment: This sequence change creates a premature translational stop signal (p.Arg847*) in the GRIN2B gene. It is expected to result in an absent or disrupted protein product. Loss-of-function variants in GRIN2B are known to be pathogenic (PMID: 28377535). This variant is not present in population databases (gnomAD no frequency). This premature translational stop signal has been observed in individual(s) with early infantile epileptic encephalopathy and intellectual disability (PMID: 27572814, 28377535; internal data). In at least one individual the variant was observed to be de novo. ClinVar contains an entry for this variant (Variation ID: 245756). For these reasons, this variant has been classified as Pathogenic.

CeGaT Center for Human Genetics Tuebingen
Classification: Pathogenic. Last evaluated: 2024-12-01. Review status: criteria provided, single submitter. Criteria: CeGaT Center For Human Genetics Tuebingen Variant Classification Criteria Version 2. Collection method: clinical testing. Allele origin: germline. Affected: yes. Observed: 2 variant alleles.
Comment: GRIN2B: PVS1, PS2, PM2

Blueprint Genetics
Classification: Pathogenic for GRIN2B-related disorders. Last evaluated: 2024-06-12. Review status: criteria provided, single submitter. Criteria: ACMG Guidelines, 2015. Collection method: clinical testing. Allele origin: germline. Affected: yes. Observed: 1 variant allele.

Victorian Clinical Genetics Services, Murdoch Childrens Research Institute
Classification: Pathogenic for Intellectual developmental disorder, autosomal dominant 6, with or without seizures. Last evaluated: 2023-07-17. Review status: criteria provided, single submitter. Criteria: ACMG Guidelines, 2015. Collection method: clinical testing. Allele origin: germline. Inheritance: Autosomal dominant inheritance. Affected: yes.
Comment: Based on the classification scheme VCGS_Germline_v1.3.4, this variant is classified as Pathogenic. Following criteria are met: 0102 - Loss of function is a known mechanism of disease in this gene and is associated with intellectual developmental disorder, autosomal dominant 6, with or without seizures (MIM#613970) and developmental and epileptic encephalopathy 27 (MIM#616139). (I) 0107 - This gene is associated with autosomal dominant disease. (I) 0201 - Variant is predicted to cause nonsense-mediated decay (NMD) and loss of protein (premature termination codon is located at least 54 nucleotides upstream of the final exon-exon junction). (SP) 0251 - This variant is heterozygous. (I) 0301 - Variant is absent from gnomAD (both v2 and v3). (SP) 0701 - Other NMD predicted variants comparable to the one identified in this case have very strong previous evidence for pathogenicity (DECIPHER). (SP) 0801 - This variant has strong previous evidence of pathogenicity in unrelated individuals. This variant has been reported with de novo inheritance in multiple individuals with intellectual disability and developmental delay (ClinVar, DECIPHER, PMID: 27572814, 28377535). (SP) 1208 - Inheritance information for this variant is not currently available in this individual. (I) Legend: (SP) - Supporting pathogenic, (I) - Information, (SB) - Supporting benign

GeneDx
Classification: Pathogenic. Last evaluated: 2021-11-08. Review status: criteria provided, single submitter. Criteria: GeneDx Variant Classification Process June 2021. Collection method: clinical testing. Allele origin: germline. Affected: yes.
Comment: Nonsense variant predicted to result in protein truncation or nonsense mediated decay in a gene for which loss-of-function is a known mechanism of disease; This variant is associated with the following publications: (PMID: 27572814, 28377535)

Institute of Human Genetics, University of Leipzig Medical Center
Classification: Pathogenic for Intellectual developmental disorder, autosomal dominant 6, with or without seizures. Last evaluated: 2017-04-04. Review status: criteria provided, single submitter. Criteria: ACMG Guidelines, 2015. Collection method: clinical testing. Allele origin: de novo. Affected: yes.
Comment: This variant was identified as de novo (maternity and paternity confirmed).

Clinical Genetics and Genomics, Karolinska University Hospital
Classification: Likely pathogenic. Last evaluated: 2015-02-12. Review status: criteria provided, single submitter. Criteria: ACMG Guidelines, 2015. Collection method: clinical testing. Allele origin: germline. Affected: yes. Observed: 1 variant allele.

Juno Genomics, Hangzhou Juno Genomics, Inc
Classification: Pathogenic for Developmental and epileptic encephalopathy, 27; Intellectual developmental disorder, autosomal dominant 6, with or without seizures. Review status: criteria provided, single submitter. Criteria: ACMG Guidelines, 2015. Collection method: clinical testing. Allele origin: germline. Affected: yes.
Comment: Absent from controls (or at extremely low frequency if recessive) in Genome Aggregation Database, Exome Sequencing Project, 1000 Genomes Project, or Exome Aggregation Consortium.;Null variant in a gene where loss of function (LOF) is a known mechanism of disease.;De novo (both maternity and paternity confirmed) in a patient with the disease and no family history.;The prevalence of the variant in affected individuals is significantly increased compared to the prevalence in controls.;Patient's phenotype or family history is highly specific for a disease with a single genetic etiology.

Kasturba Medical College, Manipal, Kasturba Medical College, Manipal, Manipal Academy of Higher Education, Manipal, India
Classification: Pathogenic for Intellectual developmental disorder, autosomal dominant 6, with or without seizures. Review status: criteria provided, single submitter. Criteria: ACMG Guidelines, 2015. Collection method: clinical testing. Allele origin: de novo. Inheritance: Autosomal dominant inheritance. Affected: yes. Observed: 1 heterozygote.

Molecular Genetics Lab, CHRU Brest
Classification: Pathogenic for Developmental and epileptic encephalopathy, 27. Review status: criteria provided, single submitter. Criteria: ACMG Guidelines, 2015. Collection method: clinical testing. Allele origin: de novo. Affected: yes.

Neuberg Centre For Genomic Medicine, NCGM
Classification: Pathogenic for Intellectual developmental disorder, autosomal dominant 6, with or without seizures. Review status: criteria provided, single submitter. Criteria: ACMG Guidelines, 2015. Collection method: clinical testing. Allele origin: germline. Inheritance: Autosomal dominant inheritance. Affected: yes.
Comment: Biochemical Testing: CPK 172/168. Clinical suspicion: Global developmental delay/Myopathy/Carbohydrate deficient glycoprotein.

Laboratory of Molecular Genetics (Pr. Bezieau's lab), CHU de Nantes
Classification: Pathogenic. Last evaluated: 2017-06-27. Review status: no assertion criteria provided. Collection method: clinical testing. Allele origin: germline. Affected: yes. Not counted in ClinVar's aggregate classification.

Literature cited by the submitters: PubMed 27572814 (cited by 3 submitters); PubMed 28377535 (cited by 3 submitters).